The following is an entry in ClinVar:

NM_001376.5(DYNC1H1):c.12071C>T (p.Pro4024Leu)

Gene: DYNC1H1 (dynein cytoplasmic 1 heavy chain 1; plus strand). Cytogenetic location: 14q32.31.
Variant type: single nucleotide variant.
Coding change: c.12071C>T on transcript NM_001376.5 (MANE Select); coding-DNA position 12071, C replaced by T.
Protein change: p.Pro4024Leu; replaces proline 4024 with leucine.
Molecular consequence: missense variant.
Genome position (GRCh38, 1-based): chr14:102,041,703, C>T. VCF-style: chr14-102041703-C-T. GRCh37 (hg19) VCF-style: chr14-102508040-C-T.
Other names: short protein forms P4024L.
Identifiers: ClinVar variation 246549 (VCV000246549.6), dbSNP rs879254308, ClinGen allele CA10584476.
Genomic context (GRCh38, chr14:102,041,703, plus strand): 5'-TGGCCCACATGTTTGTTTCAACAAACCTTGGGGAGTCTTTCATGTCCATCATGGAGCAGC[C>T]GCTCGACCTGACCCACATTGTGGGCACAGAGGTAATGTCCTGGTACAGCCCGGGCTTCCC-3'
Protein context (NP_001367.2, residues 4014-4034): GESFMSIMEQ[Pro4024Leu]LDLTHIVGTE

ClinVar aggregate classification (germline): Conflicting classifications of pathogenicity. Review status: criteria provided, conflicting classifications (1 of 4 stars). 2 submissions from 2 submitters: Uncertain significance (1); Likely benign (1). Last evaluated 2023-10-09.

Conditions:
Charcot-Marie-Tooth disease axonal type 2O. Also called: Charcot-Marie-Tooth disease, axonal, type 20; Charcot-Marie-Tooth Neuropathy Type 2O; CHARCOT-MARIE-TOOTH NEUROPATHY, AXONAL, TYPE 2O; CHARCOT-MARIE-TOOTH DISEASE, AXONAL, AUTOSOMAL DOMINANT, TYPE 2O. Identifiers: Orphanet 284232, MedGen C3280220, MONDO:0013644, OMIM 614228.

Allele frequency attached by ClinVar (database versions not stated): gnomAD exomes below 0.00001 and 0.00001.
gnomAD v4.1: 15 of 1,614,154 alleles (0.00093%); highest among the groups gnomAD compares: African/African-American, 0.0027%; no homozygotes.

Submissions (2):

Labcorp Genetics (formerly Invitae), Labcorp
Classification: Likely benign for Charcot-Marie-Tooth disease axonal type 2O. Last evaluated: 2023-10-09. Review status: criteria provided, single submitter. Criteria: Invitae Variant Classification Sherloc (09022015). Collection method: clinical testing. Allele origin: germline.

GeneDx
Classification: Uncertain significance. Last evaluated: 2023-03-13. Review status: criteria provided, single submitter. Criteria: GeneDx Variant Classification Process June 2021. Collection method: clinical testing. Allele origin: germline. Affected: yes.
Comment: In silico analysis supports that this missense variant has a deleterious effect on protein structure/function; Has not been previously published as pathogenic or benign to our knowledge